The following is an entry in ClinVar:

ClinVar aggregate classification (germline): Conflicting classifications of pathogenicity. Review status: criteria provided, conflicting classifications (1 of 4 stars). 2 submissions from 2 submitters: Uncertain significance (1); Likely benign (1). Last evaluated 2026-02-01.

Conditions:
Inborn genetic diseases. Identifiers: MedGen C0950123, MeSH D030342.

gnomAD v4.1: 2 of 1,613,644 alleles (0.00012%); highest among the groups gnomAD compares: Non-Finnish European, 0.00017%; no homozygotes.

Submissions (2):

CeGaT Center for Human Genetics Tuebingen
Classification: Likely benign. Last evaluated: 2026-02-01. Review status: criteria provided, single submitter. Criteria: CeGaT Center For Human Genetics Tuebingen Variant Classification Criteria Version 2. Collection method: clinical testing. Allele origin: germline. Affected: yes. Observed: 1 variant allele.
Comment: SAMD9L: BP4

Ambry Genetics
Classification: Uncertain significance for Inborn genetic diseases. Last evaluated: 2025-05-17. Review status: criteria provided, single submitter. Criteria: Ambry Variant Classification Scheme 2023. Collection method: clinical testing. Allele origin: germline.
Comment: The p.I1544V variant (also known as c.4630A>G), located in coding exon 1 of the SAMD9L gene, results from an A to G substitution at nucleotide position 4630. The isoleucine at codon 1544 is replaced by valine, an amino acid with highly similar properties. This amino acid position is conserved. In addition, this alteration is predicted to be tolerated by in silico analysis. Based on the available evidence, the clinical significance of this variant remains unclear.

NM_152703.5(SAMD9L):c.4630A>G (p.Ile1544Val)

Gene: SAMD9L (sterile alpha motif domain containing 9 like; minus strand). Cytogenetic location: 7q21.2.
Variant type: single nucleotide variant.
Coding change: c.4630A>G on transcript NM_152703.5 (MANE Select); coding-DNA position 4630, A replaced by G.
Protein change: p.Ile1544Val; replaces isoleucine 1544 with valine.
Molecular consequence: missense variant.
Genome position (GRCh38, 1-based): chr7:93,131,342, T>C on the plus strand (A>G on the coding strand, the complement: SAMD9L is on the minus strand). VCF-style: chr7-93131342-T-C. GRCh37 (hg19) VCF-style: chr7-92760655-T-C.
Other names: c.4630A>G, p.Ile1544Val (NM_001303496.3, NM_001303497.3, NM_001303498.3 and 5 more transcripts); short protein forms I1544V.
Identifiers: ClinVar variation 3949924 (VCV003949924.5).